The following is an entry in ClinVar:

ClinVar aggregate classification (germline): Likely benign (1 of 4 stars; one submission).

gnomAD v4.1: 21 of 1,373,360 alleles (0.0015%); highest among the groups gnomAD compares: Middle Eastern, 0.018%; no homozygotes.

Submission:

CeGaT Center for Human Genetics Tuebingen
Classification: Likely benign. Last evaluated: 2024-05-01. Review status: criteria provided, single submitter. Criteria: CeGaT Center For Human Genetics Tuebingen Variant Classification Criteria Version 2. Collection method: clinical testing. Allele origin: germline. Affected: yes. Observed: 1 variant allele.
Comment: HERC2: BP4, BP7

NM_004667.6(HERC2):c.4470G>A (p.Ser1490=)

Gene: HERC2 (HECT and RLD domain containing E3 ubiquitin protein ligase 2; minus strand). Cytogenetic location: 15q13.1.
Variant type: single nucleotide variant.
Coding change: c.4470G>A on transcript NM_004667.6 (MANE Select); coding-DNA position 4470, G replaced by A.
Protein change: p.Ser1490=; no amino-acid change (serine 1490 retained).
Molecular consequence: synonymous variant.
Genome position (GRCh38, 1-based): chr15:28,233,443, C>T on the plus strand (G>A on the coding strand, the complement: HERC2 is on the minus strand). VCF-style: chr15-28233443-C-T. GRCh37 (hg19) VCF-style: chr15-28478589-C-T.
Identifiers: ClinVar variation 3239152 (VCV003239152.19), dbSNP rs573056894.